The following is an entry in ClinVar:

NM_001009999.3(KDM1A):c.1051G>T (p.Ala351Ser)

Gene: KDM1A (lysine demethylase 1A; plus strand). Cytogenetic location: 1p36.12.
Variant type: single nucleotide variant.
Coding change: c.1051G>T on transcript NM_001009999.3 (MANE Select); coding-DNA position 1051, G replaced by T.
Protein change: p.Ala351Ser; replaces alanine 351 with serine.
Molecular consequence: missense variant.
Genome position (GRCh38, 1-based): chr1:23,057,544, G>T. VCF-style: chr1-23057544-G-T. GRCh37 (hg19) VCF-style: chr1-23384037-G-T.
Other names: c.991G>T, p.Ala331Ser (NM_001363654.2, NM_001410763.1, NM_015013.4); c.1051G>T, p.Ala351Ser (NM_001410762.1); short protein forms A331S, A351S.
Identifiers: ClinVar variation 5008952 (VCV005008952.1).

ClinVar aggregate classification (germline): Uncertain significance (1 of 4 stars; one submission).

Submission:

GeneDx
Classification: Uncertain significance. Last evaluated: 2026-03-15. Review status: criteria provided, single submitter. Criteria: GeneDx Variant Classification Process June 2021. Collection method: clinical testing. Allele origin: germline.
Comment: Not observed at significant frequency in large population cohorts (gnomAD); In silico analysis supports that this missense variant has a deleterious effect on protein structure/function; Has not been previously published as pathogenic or benign to our knowledge